The following is an entry in ClinVar:

NM_032776.3(JMJD1C):c.5644+4G>A

Gene: JMJD1C (jumonji domain containing 1C; minus strand). Cytogenetic location: 10q21.3.
Variant type: single nucleotide variant.
Coding change: c.5644+4G>A on transcript NM_032776.3 (MANE Select); 4 bases into the intron after coding-DNA position 5644, G replaced by A.
Molecular consequence: intron variant.
Genome position (GRCh38, 1-based): chr10:63,197,407, C>T on the plus strand (G>A on the coding strand, the complement: JMJD1C is on the minus strand). VCF-style: chr10-63197407-C-T. GRCh37 (hg19) VCF-style: chr10-64957167-C-T.
Other names: c.4987+4G>A (NM_001322258.2, NM_001322254.2); c.5098+4G>A (NM_001318154.2, NM_001282948.2); c.5530+4G>A (NM_001322252.2); c.4780+4G>A (NM_001318153.2).
Identifiers: ClinVar variation 3607368 (VCV003607368.2).

ClinVar aggregate classification (germline): Uncertain significance (1 of 4 stars; one submission).

Conditions:
Early Myoclonic Encephalopathy. Identifiers: MedGen C0270855.

gnomAD v4.1: 114 of 1,609,742 alleles (0.0071%); highest among the groups gnomAD compares: South Asian, 0.13%; 2 homozygotes.

Submission:

Labcorp Genetics (formerly Invitae), Labcorp
Classification: Uncertain significance for Early Myoclonic Encephalopathy. Last evaluated: 2024-05-01. Review status: criteria provided, single submitter. Criteria: Invitae Variant Classification Sherloc (09022015). Collection method: clinical testing. Allele origin: germline.
Comment: This sequence change falls in intron 13 of the JMJD1C gene. It does not directly change the encoded amino acid sequence of the JMJD1C protein. It affects a nucleotide within the consensus splice site. This variant is present in population databases (rs552634444, gnomAD 0.1%), and has an allele count higher than expected for a pathogenic variant. This variant has not been reported in the literature in individuals affected with JMJD1C-related conditions. Variants that disrupt the consensus splice site are a relatively common cause of aberrant splicing (PMID: 17576681, 9536098). Algorithms developed to predict the effect of sequence changes on RNA splicing suggest that this variant is not likely to affect RNA splicing. In summary, the available evidence is currently insufficient to determine the role of this variant in disease. Therefore, it has been classified as a Variant of Uncertain Significance.

Literature cited by the submitters: PubMed 17576681; PubMed 9536098.